The following is an entry in ClinVar:

NM_004168.4(SDHA):c.992C>T (p.Ala331Val)

Gene: SDHA (succinate dehydrogenase complex flavoprotein subunit A; plus strand). Cytogenetic location: 5p15.33.
Variant type: single nucleotide variant.
Coding change: c.992C>T on transcript NM_004168.4 (MANE Select); coding-DNA position 992, C replaced by T.
Protein change: p.Ala331Val; replaces alanine 331 with valine.
Molecular consequence: missense variant.
Genome position (GRCh38, 1-based): chr5:233,573, C>T. VCF-style: chr5-233573-C-T. GRCh37 (hg19) VCF-style: chr5-233688-C-T.
Other names: c.992C>T (NM_004168.2); c.848C>T, p.Ala283Val (NM_001294332.2); c.992C>T, p.Ala331Val (NM_001330758.2); short protein forms A283V, A331V.
Identifiers: ClinVar variation 1022411 (VCV001022411.12), dbSNP rs1206201147, ClinGen allele CA359012799.

ClinVar aggregate classification (germline): Uncertain significance. Review status: criteria provided, multiple submitters, no conflicts (2 of 4 stars). 3 submissions from 3 submitters: Uncertain significance (3). Last evaluated 2025-10-05.

Conditions:
Mitochondrial complex II deficiency, nuclear type 1. Also called: SUCCINATE CoQ REDUCTASE DEFICIENCY. Identifiers: Orphanet 3208, MedGen C5700310, MONDO:0100294, OMIM 252011.
Pheochromocytoma/paraganglioma syndrome 5. Also called: Paragangliomas 5; SDHA-Related Hereditary Paraganglioma-Pheochromocytoma Syndrome. Identifiers: Orphanet 29072, MedGen C3279992, MONDO:0013602, OMIM 614165.
Hereditary cancer-predisposing syndrome. Also called: Tumor predisposition; Hereditary neoplastic syndrome; Neoplastic Syndromes, Hereditary; Hereditary Cancer Syndrome. Identifiers: Orphanet 140162, MedGen C0027672, MeSH D009386, MONDO:0015356.

Allele frequency attached by ClinVar (database versions not stated): gnomAD exomes below 0.00001.
gnomAD v4.1: 3 of 1,614,198 alleles (0.00019%); highest among the groups gnomAD compares: Non-Finnish European, 0.00025%; no homozygotes.

Submissions (3):

Labcorp Genetics (formerly Invitae), Labcorp
Classification: Uncertain significance for Pheochromocytoma/paraganglioma syndrome 5; Mitochondrial complex II deficiency, nuclear type 1. Last evaluated: 2025-10-05. Review status: criteria provided, single submitter. Criteria: Invitae Variant Classification Sherloc (09022015). Collection method: clinical testing. Allele origin: germline.
Comment: This sequence change replaces alanine, which is neutral and non-polar, with valine, which is neutral and non-polar, at codon 331 of the SDHA protein (p.Ala331Val). This variant is not present in population databases (gnomAD no frequency). This variant has not been reported in the literature in individuals affected with SDHA-related conditions. ClinVar contains an entry for this variant (Variation ID: 1022411). Invitae Evidence Modeling of protein sequence and biophysical properties (such as structural, functional, and spatial information, amino acid conservation, physicochemical variation, residue mobility, and thermodynamic stability) has been performed for this missense variant. However, the output from this modeling did not meet the statistical confidence thresholds required to predict the impact of this variant on SDHA protein function. In summary, the available evidence is currently insufficient to determine the role of this variant in disease. Therefore, it has been classified as a Variant of Uncertain Significance.

Ambry Genetics
Classification: Uncertain significance for Hereditary cancer-predisposing syndrome. Last evaluated: 2025-08-04. Review status: criteria provided, single submitter. Criteria: Ambry Variant Classification Scheme 2023. Collection method: clinical testing. Allele origin: germline.
Comment: The p.A331V variant (also known as c.992C>T), located in coding exon 8 of the SDHA gene, results from a C to T substitution at nucleotide position 992. The alanine at codon 331 is replaced by valine, an amino acid with similar properties. This amino acid position is highly conserved in available vertebrate species. In addition, the in silico prediction for this alteration is inconclusive. Since supporting evidence is limited at this time, the clinical significance of this alteration remains unclear.

GeneDx
Classification: Uncertain significance. Last evaluated: 2022-07-17. Review status: criteria provided, single submitter. Criteria: GeneDx Variant Classification Process June 2021. Collection method: clinical testing. Allele origin: germline. Affected: yes.
Comment: Not observed at significant frequency in large population cohorts (gnomAD); In silico analysis supports that this missense variant has a deleterious effect on protein structure/function; Has not been previously published as pathogenic or benign to our knowledge